The following is an entry in ClinVar:

NM_001352754.2(ARMC9):c.1407C>G (p.Asp469Glu)

Gene: ARMC9 (armadillo repeat containing 9; plus strand). Cytogenetic location: 2q37.1.
Variant type: single nucleotide variant.
Coding change: c.1407C>G on transcript NM_001352754.2 (MANE Select); coding-DNA position 1407, C replaced by G.
Protein change: p.Asp469Glu; replaces aspartic acid 469 with glutamic acid.
Molecular consequence: missense variant. On other transcripts: non-coding transcript variant (1).
Genome position (GRCh38, 1-based): chr2:231,276,708, C>G. VCF-style: chr2-231276708-C-G. GRCh37 (hg19) VCF-style: chr2-232141421-C-G.
Other names: c.1407C>G, p.Asp469Glu (NM_001271466.4, NM_001291656.2, NM_001352755.2 and 3 more transcripts); c.1308C>G, p.Asp436Glu (NM_001352757.2, NM_001352758.2); short protein forms D436E, D469E.
Identifiers: ClinVar variation 1056508 (VCV001056508.10), dbSNP rs2125443696, ClinGen allele CA350955684.

ClinVar aggregate classification (germline): Uncertain significance (1 of 4 stars; one submission).

gnomAD v4.1: 1 of 1,614,180 alleles (0.000062%); no homozygotes.

Submission:

Labcorp Genetics (formerly Invitae), Labcorp
Classification: Uncertain significance. Last evaluated: 2022-09-01. Review status: criteria provided, single submitter. Criteria: Invitae Variant Classification Sherloc (09022015). Collection method: clinical testing. Allele origin: germline.
Comment: In summary, the available evidence is currently insufficient to determine the role of this variant in disease. Therefore, it has been classified as a Variant of Uncertain Significance. Experimental studies and prediction algorithms are not available or were not evaluated, and the functional significance of this variant is currently unknown. ClinVar contains an entry for this variant (Variation ID: 1056508). This variant has not been reported in the literature in individuals affected with ARMC9-related conditions. This variant is not present in population databases (gnomAD no frequency). This sequence change replaces aspartic acid, which is acidic and polar, with glutamic acid, which is acidic and polar, at codon 469 of the ARMC9 protein (p.Asp469Glu).